The following is an entry in ClinVar:

ClinVar aggregate classification (germline): Uncertain significance (1 of 4 stars; one submission).

Conditions:
Neurofibromatosis, type 1 (NF1). Also called: Neurofibromatosis, type I; VON RECKLINGHAUSEN DISEASE; NEUROFIBROMATOSIS, TYPE I, SOMATIC; Peripheral type neurofibromatosis. Identifiers: Orphanet 636, MedGen C0027831, MONDO:0018975, OMIM 162200. Disease mechanism: loss of function.

Submission:

Labcorp Genetics (formerly Invitae), Labcorp
Classification: Uncertain significance for Neurofibromatosis, type 1. Last evaluated: 2022-03-19. Review status: criteria provided, single submitter. Criteria: Invitae Variant Classification Sherloc (09022015). Collection method: clinical testing. Allele origin: germline.
Comment: This sequence change replaces methionine, which is neutral and non-polar, with threonine, which is neutral and polar, at codon 747 of the NF1 protein (p.Met747Thr). This variant is not present in population databases (gnomAD no frequency). This variant has not been reported in the literature in individuals affected with NF1-related conditions. Advanced modeling of protein sequence and biophysical properties (such as structural, functional, and spatial information, amino acid conservation, physicochemical variation, residue mobility, and thermodynamic stability) performed at Invitae indicates that this missense variant is expected to disrupt NF1 protein function. In summary, the available evidence is currently insufficient to determine the role of this variant in disease. Therefore, it has been classified as a Variant of Uncertain Significance.

NM_001042492.3(NF1):c.2240T>C (p.Met747Thr)

Gene: NF1 (neurofibromin 1; plus strand). Cytogenetic location: 17q11.2.
Variant type: single nucleotide variant.
Coding change: c.2240T>C on transcript NM_001042492.3 (MANE Select); coding-DNA position 2240, T replaced by C.
Protein change: p.Met747Thr; replaces methionine 747 with threonine.
Molecular consequence: missense variant.
Genome position (GRCh38, 1-based): chr17:31,226,673, T>C. VCF-style: chr17-31226673-T-C. GRCh37 (hg19) VCF-style: chr17-29553691-T-C.
Other names: c.2240T>C, p.Met747Thr (NM_000267.4); short protein forms M747T.
Identifiers: ClinVar variation 1479219 (VCV001479219.6), dbSNP rs2151426144, ClinGen allele CA398982570.